The following is an entry in ClinVar:

NM_080632.3(UPF3B):c.1260A>C (p.Glu420Asp)

Gene: UPF3B (UPF3B regulator of nonsense mediated mRNA decay; minus strand). Cytogenetic location: Xq24.
Variant type: single nucleotide variant.
Coding change: c.1260A>C on transcript NM_080632.3 (MANE Select); coding-DNA position 1260, A replaced by C.
Protein change: p.Glu420Asp; replaces glutamic acid 420 with aspartic acid.
Molecular consequence: missense variant.
Genome position (GRCh38, 1-based): chrX:119,837,799, T>G on the plus strand (A>C on the coding strand, the complement: UPF3B is on the minus strand). VCF-style: chrX-119837799-T-G. GRCh37 (hg19) VCF-style: chrX-118971762-T-G.
Other names: c.1221A>C, p.Glu407Asp (NM_023010.4); short protein forms E420D, E407D.
Identifiers: ClinVar variation 588932 (VCV000588932.6), dbSNP rs777574933, ClinGen allele CA414182833.

ClinVar aggregate classification (germline): Uncertain significance. Review status: criteria provided, multiple submitters, no conflicts (2 of 4 stars). 2 submissions from 2 submitters: Uncertain significance (2). Last evaluated 2025-10-07.

Conditions:
Inborn genetic diseases. Identifiers: MedGen C0950123, MeSH D030342.

gnomAD v4.1: 1 of 1,210,648 alleles (0.000083%); highest among the groups gnomAD compares: Non-Finnish European, 0.00011%; no homozygotes.

Submissions (2):

Women's Health and Genetics/Laboratory Corporation of America, LabCorp
Classification: Uncertain significance. Last evaluated: 2025-10-07. Review status: criteria provided, single submitter. Criteria: LabCorp Variant Classification Summary - May 2015. Collection method: clinical testing. Allele origin: germline.
Comment: Variant summary: UPF3B c.1260A>C (p.Glu420Asp) results in a conservative amino acid change in the encoded protein sequence. Algorithms developed to predict the effect of missense changes on protein structure and function all suggest that this variant is likely to be tolerated. The variant was absent in 181812 control chromosomes. The available data on variant occurrences in the general population are insufficient to allow any conclusion about variant significance. To our knowledge, no occurrence of c.1260A>C in individuals affected with UPF3B-related conditions and no experimental evidence demonstrating its impact on protein function have been reported. ClinVar contains an entry for this variant (Variation ID: 588932). Based on the evidence outlined above, the variant was classified as uncertain significance.

Ambry Genetics
Classification: Uncertain significance for Inborn genetic diseases. Last evaluated: 2017-04-04. Review status: criteria provided, single submitter. Criteria: Ambry Variant Classification Scheme 2023. Collection method: clinical testing. Allele origin: germline.
Comment: The p.E420D variant (also known as c.1260A>C), located in coding exon 10 of the UPF3B gene, results from an A to C substitution at nucleotide position 1260. The glutamic acid at codon 420 is replaced by aspartic acid, an amino acid with highly similar properties. This amino acid position is well conserved in available vertebrate species. In addition, this alteration is predicted to be tolerated by in silico analysis. Since supporting evidence is limited at this time, the clinical significance of this alteration remains unclear.